The following is an entry in ClinVar:

ClinVar aggregate classification (germline): Uncertain significance (1 of 4 stars; one submission).

Conditions:
Pulmonary fibrosis and/or bone marrow failure, Telomere-related, 3. Also called: PULMONARY FIBROSIS AND/OR BONE MARROW FAILURE SYNDROME, TELOMERE-RELATED, 3. Identifiers: Orphanet 2032, MedGen C4225346, MONDO:0014613, OMIM 616373.

Allele frequency attached by ClinVar (database versions not stated): gnomAD exomes below 0.00001.

Submission:

Department of Medical Genomics, Royal Prince Alfred Hospital
Classification: Uncertain significance for Pulmonary fibrosis and/or bone marrow failure, Telomere-related, 3. Last evaluated: 2024-07-03. Review status: criteria provided, single submitter. Criteria: ACMG Guidelines, 2015. Collection method: clinical testing. Allele origin: germline. Inheritance: Autosomal dominant inheritance. Affected: yes. Observed: 1 heterozygote.
Comment: This is a rare variant not observed in control population database (gnomAD v4.1). The variant is located within the helicase domain, where nearby pathogenic missense variants have been described (PMID: 25848748). In silico analysis was uninformative (REVEL 0.443).

NM_001283009.2(RTEL1):c.1910A>G (p.Asn637Ser)

Genes: RTEL1 (regulator of telomere elongation helicase 1; plus strand), RTEL1-TNFRSF6B (RTEL1-TNFRSF6B readthrough (NMD candidate); plus strand). Cytogenetic location: 20q13.33.
Variant type: single nucleotide variant.
Coding change: c.1910A>G on transcript NM_001283009.2 (MANE Select); coding-DNA position 1910, A replaced by G.
Protein change: p.Asn637Ser; replaces asparagine 637 with serine.
Molecular consequence: missense variant. On other transcripts: non-coding transcript variant (1).
Genome position (GRCh38, 1-based): chr20:63,689,533, A>G. VCF-style: chr20-63689533-A-G. GRCh37 (hg19) VCF-style: chr20-62320886-A-G.
Other names: c.1910A>G, p.Asn637Ser (NM_016434.4); c.1241A>G, p.Asn414Ser (NM_001283010.1); c.1982A>G, p.Asn661Ser (NM_032957.5); short protein forms N414S, N637S, N661S.
Identifiers: ClinVar variation 3255382 (VCV003255382.2), dbSNP rs2517132535.